The following is an entry in ClinVar:

ClinVar aggregate classification (germline): Uncertain significance (1 of 4 stars; one submission).

Conditions:
Inborn genetic diseases. Identifiers: MedGen C0950123, MeSH D030342.

Submission:

Ambry Genetics
Classification: Uncertain significance for Inborn genetic diseases. Last evaluated: 2025-10-02. Review status: criteria provided, single submitter. Criteria: Ambry Variant Classification Scheme 2023. Collection method: clinical testing. Allele origin: germline.
Comment: The c.4584G>T (p.K1528N) alteration is located in exon 21 (coding exon 21) of the SHANK3 gene. This alteration results from a G to T substitution at nucleotide position 4584, causing the lysine (K) at amino acid position 1528 to be replaced by an asparagine (N). Based on data from gnomAD, the T allele has an overall frequency of <0.001% (1/241668) total alleles studied. The highest observed frequency was 0.001% (1/107846) of European (non-Finnish) alleles. Based on insufficient or conflicting evidence, the clinical significance of this alteration remains unclear.

NM_033517.1:c.4584G>T

Gene: SHANK3 (SH3 and multiple ankyrin repeat domains 3; plus strand).
Variant type: single nucleotide variant.
Other names: c.4584G>T (NM_033517.1).
Identifiers: ClinVar variation 4630866 (VCV004630866.1).